The following is an entry in ClinVar:

NM_000748.3(CHRNB2):c.806_807delinsAA (p.Cys269Ter)

Gene: CHRNB2 (cholinergic receptor nicotinic beta 2 subunit; plus strand). Cytogenetic location: 1q21.3.
Variant type: Indel.
Coding change: c.806_807delinsAA on transcript NM_000748.3 (MANE Select); coding-DNA positions 806 to 807, GC replaced by AA.
Protein change: p.Cys269Ter; replaces cysteine 269 with a stop codon.
Molecular consequence: nonsense.
Genome position (GRCh38, 1-based): chr1:154,571,629-154,571,630, GC replaced by AA. VCF-style: chr1-154571629-GC-AA. GRCh37 (hg19) VCF-style: chr1-154544105-GC-AA.
Other names: short protein forms C269*.
Identifiers: ClinVar variation 2101381 (VCV002101381.4), dbSNP rs2526370141, ClinGen allele CA2580061111.
Genomic context (GRCh38, chr1:154,571,629, plus strand): 5'-CCTCGCTAGCCATCCTTGTCTTCTACCTGCCATCCGACTGTGGCGAGAAGATGACGTTGT[GC>AA]ATCTCAGTGCTGCTGGCGCTCACGGTCTTCCTGCTGCTCATCTCCAAGATCGTGCCTCCC-3'

ClinVar aggregate classification (germline): Uncertain significance (1 of 4 stars; one submission).

Conditions:
Familial sleep-related hypermotor epilepsy. Also called: Autosomal Dominant Sleep-Related Hypermotor (Hyperkinetic) Epilepsy. Identifiers: Orphanet 98784, MedGen C3696898, MONDO:0000030.

Submission:

Labcorp Genetics (formerly Invitae), Labcorp
Classification: Uncertain significance. Last evaluated: 2022-08-21. Review status: criteria provided, single submitter. Criteria: Invitae Variant Classification Sherloc (09022015). Collection method: clinical testing. Allele origin: germline.
Comment: In summary, the available evidence is currently insufficient to determine the role of this variant in disease. Therefore, it has been classified as a Variant of Uncertain Significance. This variant has not been reported in the literature in individuals affected with CHRNB2-related conditions. Information on the frequency of this variant in the gnomAD database is not available, as this variant may be reported differently in the database. This sequence change creates a premature translational stop signal (p.Cys269*) in the CHRNB2 gene. It is expected to result in an absent or disrupted protein product. However, the current clinical and genetic evidence is not sufficient to establish whether loss-of-function variants in CHRNB2 cause disease.